The following is an entry in ClinVar:

ClinVar aggregate classification (germline): Uncertain significance (1 of 4 stars; one submission).

Conditions:
MASTL-related disorder. Also called: MASTL-related condition.

gnomAD v4.1: 1 of 1,614,192 alleles (0.000062%); highest among the groups gnomAD compares: East Asian, 0.0022%; no homozygotes.

Submission:

PreventionGenetics, part of Exact Sciences
Classification: Uncertain significance for MASTL-related condition. Last evaluated: 2023-01-08. Review status: criteria provided, single submitter. Criteria: ACMG Guidelines, 2015. Collection method: clinical testing. Allele origin: germline.
Comment: The MASTL c.109A>C variant is predicted to result in the amino acid substitution p.Ile37Leu. To our knowledge, this variant has not been reported in the literature or in a large population database, indicating this variant is rare. At this time, the clinical significance of this variant is uncertain due to the absence of conclusive functional and genetic evidence.

NM_001172303.3(MASTL):c.109A>C (p.Ile37Leu)

Gene: MASTL (microtubule associated serine/threonine kinase like; plus strand). Cytogenetic location: 10p12.1.
Variant type: single nucleotide variant.
Coding change: c.109A>C on transcript NM_001172303.3 (MANE Select); coding-DNA position 109, A replaced by C.
Protein change: p.Ile37Leu; replaces isoleucine 37 with leucine.
Molecular consequence: missense variant. On other transcripts: 5 prime UTR variant (2), non-coding transcript variant (1).
Genome position (GRCh38, 1-based): chr10:27,155,535, A>C. VCF-style: chr10-27155535-A-C. GRCh37 (hg19) VCF-style: chr10-27444464-A-C.
Other names: c.109A>C, p.Ile37Leu (NM_001172304.3, NM_001320756.2, NM_001320757.2 and 1 more transcripts); c.-495A>C (NM_001372029.1, NM_001372030.1); short protein forms I37L.
Identifiers: ClinVar variation 2629970 (VCV002629970.1), dbSNP rs1012781973, ClinGen allele CA204447563.